The following is an entry in ClinVar:

ClinVar aggregate classification (germline): Likely benign. Review status: criteria provided, single submitter (1 of 4 stars). 2 submissions from 2 submitters: Likely benign (1). 1 of the submissions does not count toward it. Last evaluated 2018-03-29.

Conditions:
UBR4-related disorder. Also called: UBR4-related condition.

Allele frequency attached by ClinVar (database versions not stated): ExAC 0.00002; gnomAD exomes 0.00003; gnomAD 0.00005 and 0.00006; TOPMed 0.00009; ESP Exome Variant Server 0.00015; 1000 Genomes Project 0.00020; 1000 Genomes Project 30x 0.00031.
gnomAD v4.1: 29 of 1,614,106 alleles (0.0018%); highest among the groups gnomAD compares: African/African-American, 0.021%; no homozygotes.

Submissions (2):

Labcorp Genetics (formerly Invitae), Labcorp
Classification: Likely benign. Last evaluated: 2018-03-29. Review status: criteria provided, single submitter. Criteria: Invitae Variant Classification Sherloc (09022015). Collection method: clinical testing. Allele origin: germline.

PreventionGenetics, part of Exact Sciences
Classification: Likely benign for UBR4-related condition. Last evaluated: 2019-10-28. Review status: no assertion criteria provided. Collection method: clinical testing. Allele origin: germline. Not counted in ClinVar's aggregate classification.
Comment: This variant is classified as likely benign based on ACMG/AMP sequence variant interpretation guidelines (Richards et al. 2015 PMID: 25741868, with internal and published modifications).

NM_020765.3(UBR4):c.6039C>T (p.Thr2013=)

Genes: UBR4 (ubiquitin protein ligase E3 component n-recognin 4; minus strand), LOC126805643 (CDK7 strongly-dependent group 2 enhancer GRCh37_chr1:19482517-19483716; plus strand). Cytogenetic location: 1p36.13.
Variant type: single nucleotide variant.
Coding change: c.6039C>T on transcript NM_020765.3 (MANE Select); coding-DNA position 6039, C replaced by T.
Protein change: p.Thr2013=; no amino-acid change (threonine 2013 retained).
Molecular consequence: synonymous variant.
Genome position (GRCh38, 1-based): chr1:19,156,304, G>A on the plus strand (C>T on the coding strand, the complement: UBR4 is on the minus strand). VCF-style: chr1-19156304-G-A. GRCh37 (hg19) VCF-style: chr1-19482798-G-A.
Identifiers: ClinVar variation 737718 (VCV000737718.5), dbSNP rs372115312, ClinGen allele CA650423.